The following is an entry in ClinVar:

NM_024422.6(DSC2):c.-25C>G

Genes: DSC2 (desmocollin 2; minus strand), DSCAS (DSC1/DSC2 antisense RNA; plus strand). Cytogenetic location: 18q12.1.
Variant type: single nucleotide variant.
Coding change: c.-25C>G on transcript NM_024422.6 (MANE Select); 25 bases upstream of the start codon, C replaced by G.
Molecular consequence: 5 prime UTR variant.
Genome position (GRCh38, 1-based): chr18:31,101,996, G>C on the plus strand (C>G on the coding strand, the complement: DSC2 is on the minus strand). VCF-style: chr18-31101996-G-C. GRCh37 (hg19) VCF-style: chr18-28681959-G-C.
Other names: c.-25C>G (NM_004949.5).
Identifiers: ClinVar variation 380703 (VCV000380703.2), dbSNP rs904308285, ClinGen allele CA16607915.

ClinVar aggregate classification (germline): Likely benign. Review status: criteria provided, multiple submitters, no conflicts (2 of 4 stars). 2 submissions from 2 submitters: Likely benign (2). Last evaluated 2021-11-12.

Conditions:
Arrhythmogenic right ventricular dysplasia 11. Also called: Arrhythmogenic Right Ventricular Dysplasia/Cardiomyopathy11; ARRHYTHMOGENIC RIGHT VENTRICULAR DYSPLASIA, FAMILIAL, 11; Arrhythmogenic right ventricular dysplasia 11 with mild palmoplantar keratoderma and woolly hair. Identifiers: MedGen C1864850, MONDO:0012506, OMIM 610476.

Allele frequency attached by ClinVar (database versions not stated): gnomAD exomes 0.00002; gnomAD 0.00009 and 0.00008; TOPMed 0.00016; 1000 Genomes Project 30x 0.00016.
gnomAD v4.1: 33 of 1,486,926 alleles (0.0022%); highest among the groups gnomAD compares: African/African-American, 0.038%; no homozygotes.

Submissions (2):

Fulgent Genetics
Classification: Likely benign for Arrhythmogenic right ventricular dysplasia 11. Last evaluated: 2021-11-12. Review status: criteria provided, single submitter. Criteria: ACMG Guidelines, 2015. Collection method: clinical testing. Allele origin: unknown.

GeneDx
Classification: Likely benign. Last evaluated: 2015-10-22. Review status: criteria provided, single submitter. Criteria: GeneDx Variant Classification (06012015). Collection method: clinical testing. Allele origin: germline. Affected: yes.
Comment: This variant is considered likely benign or benign based on one or more of the following criteria: it is a conservative change, it occurs at a poorly conserved position in the protein, it is predicted to be benign by multiple in silico algorithms, and/or has population frequency not consistent with disease.